The following is an entry in ClinVar:

NM_000059.4(BRCA2):c.7990A>G (p.Ile2664Val)

Gene: BRCA2 (BRCA2 DNA repair associated; plus strand). Cytogenetic location: 13q13.1.
Variant type: single nucleotide variant.
Coding change: c.7990A>G on transcript NM_000059.4 (MANE Select); coding-DNA position 7990, A replaced by G.
Protein change: p.Ile2664Val; replaces isoleucine 2664 with valine.
Molecular consequence: missense variant.
Genome position (GRCh38, 1-based): chr13:32,363,192, A>G. VCF-style: chr13-32363192-A-G. GRCh37 (hg19) VCF-style: chr13-32937329-A-G.
Other names: short protein forms I2664V.
Identifiers: ClinVar variation 570163 (VCV000570163.11), dbSNP rs1566245227, ClinGen allele CA387748578.

ClinVar aggregate classification (germline): Uncertain significance. Review status: criteria provided, multiple submitters, no conflicts (2 of 4 stars). 4 submissions from 4 submitters: Uncertain significance (4). Last evaluated 2025-03-31.

Conditions:
Hereditary breast ovarian cancer syndrome. Also called: Hereditary breast and ovarian cancer syndrome; Breast and ovarian cancer; Hereditary breast and ovarian cancer; Hereditary breast and/or ovarian cancer syndrome; Hereditary breast and ovarian cancer syndrome (HBOC); BRCA1- and BRCA2-Associated Hereditary Breast and Ovarian Cancer. Identifiers: Orphanet 145, MedGen C0677776, MeSH D061325, MONDO:0003582. Disease mechanism: loss of function.
Hereditary cancer-predisposing syndrome. Also called: Hereditary neoplastic syndrome; Tumor predisposition; Neoplastic Syndromes, Hereditary; Hereditary Cancer Syndrome. Identifiers: Orphanet 140162, MedGen C0027672, MeSH D009386, MONDO:0015356.

Submissions (4):

Labcorp Genetics (formerly Invitae), Labcorp
Classification: Uncertain significance for Hereditary breast ovarian cancer syndrome. Last evaluated: 2025-03-31. Review status: criteria provided, single submitter. Criteria: Invitae Variant Classification Sherloc (09022015). Collection method: clinical testing. Allele origin: germline.
Comment: This sequence change replaces isoleucine, which is neutral and non-polar, with valine, which is neutral and non-polar, at codon 2664 of the BRCA2 protein (p.Ile2664Val). This variant is not present in population databases (gnomAD no frequency). This variant has not been reported in the literature in individuals affected with BRCA2-related conditions. ClinVar contains an entry for this variant (Variation ID: 570163). Invitae Evidence Modeling of protein sequence and biophysical properties (such as structural, functional, and spatial information, amino acid conservation, physicochemical variation, residue mobility, and thermodynamic stability) indicates that this missense variant is not expected to disrupt BRCA2 protein function with a negative predictive value of 95%. In summary, the available evidence is currently insufficient to determine the role of this variant in disease. Therefore, it has been classified as a Variant of Uncertain Significance.

Ambry Genetics
Classification: Uncertain significance for Hereditary cancer-predisposing syndrome. Last evaluated: 2024-12-19. Review status: criteria provided, single submitter. Criteria: Ambry Variant Classification Scheme 2023. Collection method: clinical testing. Allele origin: germline.
Comment: The p.I2664V variant (also known as c.7990A>G), located in coding exon 17 of the BRCA2 gene, results from an A to G substitution at nucleotide position 7990. The isoleucine at codon 2664 is replaced by valine, an amino acid with highly similar properties. This amino acid position is not well conserved in available vertebrate species. In addition, the in silico prediction for this alteration is inconclusive. Based on the available evidence, the clinical significance of this variant remains unclear.

Quest Diagnostics Nichols Institute San Juan Capistrano
Classification: Uncertain significance. Last evaluated: 2024-07-24. Review status: criteria provided, single submitter. Criteria: Quest Diagnostics criteria. Collection method: clinical testing. Allele origin: unknown.
Comment: The BRCA2 c.7990A>G (p.Ile2664Val) variant has not been reported in the published literature in individuals with BRCA2-related disease. This variant has not been reported in large, multi-ethnic general populations (Genome Aggregation Database). Analysis of this variant using bioinformatics tools for the prediction of the effect of amino acid changes on protein structure and function yielded predictions that this variant is benign. Based on the available information, we are unable to determine the clinical significance of this variant.

GeneDx
Classification: Uncertain significance. Last evaluated: 2023-06-04. Review status: criteria provided, single submitter. Criteria: GeneDx Variant Classification Process June 2021. Collection method: clinical testing. Allele origin: germline. Affected: yes.
Comment: Not observed at significant frequency in large population cohorts (gnomAD); In silico analysis supports that this missense variant does not alter protein structure/function; Has not been previously published as pathogenic or benign to our knowledge; Also known as 8218A>G; This variant is associated with the following publications: (PMID: 12228710, 31911673)

Literature cited by the submitters: PubMed 31911673 (cited by Quest Diagnostics Nichols Institute San Juan Capistrano).